The following is an entry in ClinVar:

ClinVar aggregate classification (germline): Uncertain significance (1 of 4 stars; one submission).

Conditions:
Severe myoclonic epilepsy in infancy (DRVT). Also called: Dravet syndrome; Epileptic encephalopathy, early infantile, 6 (Dravet syndrome); SEVERE MYOCLONIC EPILEPSY OF INFANCY; DEVELOPMENTAL AND EPILEPTIC ENCEPHALOPATHY 6A; Severe Myoclonic Epilepsy in Infancy (SMEI). Identifiers: Orphanet 33069, MedGen C0751122, MONDO:0100135, OMIM 607208.

Allele frequency attached by ClinVar (database versions not stated): gnomAD exomes below 0.00001 and 0.00001; ExAC 0.00001; gnomAD 0.00001; TOPMed 0.00001.
gnomAD v4.1: 4 of 1,612,094 alleles (0.00025%); highest among the groups gnomAD compares: Non-Finnish European, 0.00034%; no homozygotes.

Submission:

Labcorp Genetics (formerly Invitae), Labcorp
Classification: Uncertain significance for Severe myoclonic epilepsy in infancy. Last evaluated: 2021-11-25. Review status: criteria provided, single submitter. Criteria: Invitae Variant Classification Sherloc (09022015). Collection method: clinical testing. Allele origin: germline.
Comment: In summary, the available evidence is currently insufficient to determine the role of this variant in disease. Therefore, it has been classified as a Variant of Uncertain Significance. Algorithms developed to predict the effect of missense changes on protein structure and function are either unavailable or do not agree on the potential impact of this missense change (SIFT: "Deleterious"; PolyPhen-2: "Benign"; Align-GVGD: "Class C0"). ClinVar contains an entry for this variant (Variation ID: 950151). This variant has not been reported in the literature in individuals affected with SNX27-related conditions. This variant is present in population databases (rs778000318, gnomAD 0.002%). This sequence change replaces valine, which is neutral and non-polar, with aspartic acid, which is acidic and polar, at codon 412 of the SNX27 protein (p.Val412Asp).

NM_001330723.2(SNX27):c.1235T>A (p.Val412Asp)

Gene: SNX27 (sorting nexin 27; plus strand). Cytogenetic location: 1q21.3.
Variant type: single nucleotide variant.
Coding change: c.1235T>A on transcript NM_001330723.2 (MANE Select); coding-DNA position 1235, T replaced by A.
Protein change: p.Val412Asp; replaces valine 412 with aspartic acid.
Molecular consequence: missense variant.
Genome position (GRCh38, 1-based): chr1:151,683,441, T>A. VCF-style: chr1-151683441-T-A. GRCh37 (hg19) VCF-style: chr1-151655917-T-A.
Other names: c.1235T>A, p.Val412Asp (NM_030918.6); short protein forms V412D.
Identifiers: ClinVar variation 950151 (VCV000950151.7), dbSNP rs778000318, ClinGen allele CA1093612.